The following is an entry in ClinVar:

ClinVar aggregate classification (germline): Conflicting classifications of pathogenicity. Review status: criteria provided, conflicting classifications (1 of 4 stars). 3 submissions from 3 submitters: Uncertain significance (2); Likely benign (1). Last evaluated 2026-08-12.

Conditions:
Renal cell carcinoma. Identifiers: Orphanet 217071, MedGen C0007134, MeSH D002292, MONDO:0005086, HP:0005584.
Hereditary cancer-predisposing syndrome. Also called: Hereditary Cancer Syndrome; Tumor predisposition; Neoplastic Syndromes, Hereditary; Hereditary neoplastic syndrome. Identifiers: Orphanet 140162, MedGen C0027672, MeSH D009386, MONDO:0015356.

Allele frequency attached by ClinVar (database versions not stated): gnomAD 0.00001.
gnomAD v4.1: 14 of 1,613,944 alleles (0.00087%); highest among the groups gnomAD compares: Admixed American, 0.0017%; no homozygotes.

Submissions (3):

Ambry Genetics
Classification: Likely benign for Hereditary cancer-predisposing syndrome. Last evaluated: 2026-08-12. Review status: criteria provided, single submitter. Criteria: Ambry Variant Classification Scheme 2023. Collection method: clinical testing. Allele origin: germline.

Labcorp Genetics (formerly Invitae), Labcorp
Classification: Uncertain significance for Renal cell carcinoma. Last evaluated: 2025-04-16. Review status: criteria provided, single submitter. Criteria: Invitae Variant Classification Sherloc (09022015). Collection method: clinical testing. Allele origin: germline.
Comment: This sequence change replaces arginine, which is basic and polar, with cysteine, which is neutral and slightly polar, at codon 413 of the MET protein (p.Arg413Cys). This variant is present in population databases (no rsID available, gnomAD 0.003%). This variant has not been reported in the literature in individuals affected with MET-related conditions. ClinVar contains an entry for this variant (Variation ID: 1482319). An algorithm developed to predict the effect of missense changes on protein structure and function (PolyPhen-2) suggests that this variant is likely to be tolerated. In summary, the available evidence is currently insufficient to determine the role of this variant in disease. Therefore, it has been classified as a Variant of Uncertain Significance.

GeneDx
Classification: Uncertain significance. Last evaluated: 2023-05-24. Review status: criteria provided, single submitter. Criteria: GeneDx Variant Classification Process June 2021. Collection method: clinical testing. Allele origin: germline. Affected: yes.
Comment: Not observed at significant frequency in large population cohorts (gnomAD); In silico analysis supports that this missense variant does not alter protein structure/function; Has not been previously published as pathogenic or benign to our knowledge

NM_000245.4(MET):c.1237C>T (p.Arg413Cys)

Gene: MET (MET proto-oncogene, receptor tyrosine kinase; plus strand). Cytogenetic location: 7q31.2.
Variant type: single nucleotide variant.
Coding change: c.1237C>T on transcript NM_000245.4 (MANE Select); coding-DNA position 1237, C replaced by T.
Protein change: p.Arg413Cys; replaces arginine 413 with cysteine.
Molecular consequence: missense variant. On other transcripts: 5 prime UTR variant (1).
Genome position (GRCh38, 1-based): chr7:116,731,704, C>T. VCF-style: chr7-116731704-C-T. GRCh37 (hg19) VCF-style: chr7-116371758-C-T.
Other names: c.1237C>T, p.Arg413Cys (NM_001127500.3, NM_001324401.3); c.-54C>T (NM_001324402.2); short protein forms R413C.
Identifiers: ClinVar variation 1482319 (VCV001482319.13), dbSNP rs201980687, ClinGen allele CA164865824.